The following is an entry in ClinVar:

NM_005419.4(STAT2):c.427C>A (p.His143Asn)

Gene: STAT2 (signal transducer and activator of transcription 2; minus strand). Cytogenetic location: 12q13.3.
Variant type: single nucleotide variant.
Coding change: c.427C>A on transcript NM_005419.4 (MANE Select); coding-DNA position 427, C replaced by A.
Protein change: p.His143Asn; replaces histidine 143 with asparagine.
Molecular consequence: missense variant.
Genome position (GRCh38, 1-based): chr12:56,355,487, G>T on the plus strand (C>A on the coding strand, the complement: STAT2 is on the minus strand). VCF-style: chr12-56355487-G-T. GRCh37 (hg19) VCF-style: chr12-56749271-G-T.
Other names: c.415C>A, p.His139Asn (NM_001385110.1, NM_001385115.1, NM_198332.2); c.427C>A, p.His143Asn (NM_001385111.1, NM_001385113.1, NM_001385114.1); short protein forms H139N, H143N.
Identifiers: ClinVar variation 1348935 (VCV001348935.8), dbSNP rs2136087270, ClinGen allele CA385263345.
Genomic context (GRCh38, chr12:56,355,487, plus strand): 5'-TACCACATCTACTAACCTCCATCATAGCCCTTAAATCCAGGATCCGGGATTCAATCTCAT[G>T]TTGCTGGCTCTCCACAGGTGTTTCGAGAACTGGCTCTCCTTGTTCCTGAAAAAAGAGGCT-3'
Protein context (NP_005410.1, residues 133-153): VLETPVESQQ[His143Asn]EIESRILDLR

ClinVar aggregate classification (germline): Uncertain significance (1 of 4 stars; one submission).

Conditions:
Primary immunodeficiency with post-measles-mumps-rubella vaccine viral infection. Also called: Immunodeficiency 44. Identifiers: Orphanet 431166, MedGen C4225260, MONDO:0014715, OMIM 616636.

Submission:

Labcorp Genetics (formerly Invitae), Labcorp
Classification: Uncertain significance for Primary immunodeficiency with post-measles-mumps-rubella vaccine viral infection. Last evaluated: 2022-07-19. Review status: criteria provided, single submitter. Criteria: Invitae Variant Classification Sherloc (09022015). Collection method: clinical testing. Allele origin: germline.
Comment: In summary, the available evidence is currently insufficient to determine the role of this variant in disease. Therefore, it has been classified as a Variant of Uncertain Significance. Advanced modeling of protein sequence and biophysical properties (such as structural, functional, and spatial information, amino acid conservation, physicochemical variation, residue mobility, and thermodynamic stability) performed at Invitae indicates that this missense variant is not expected to disrupt STAT2 protein function. ClinVar contains an entry for this variant (Variation ID: 1348935). This variant has not been reported in the literature in individuals affected with STAT2-related conditions. This variant is not present in population databases (gnomAD no frequency). This sequence change replaces histidine, which is basic and polar, with asparagine, which is neutral and polar, at codon 143 of the STAT2 protein (p.His143Asn).